The following is an entry in ClinVar:

NM_001001433.3(STX16):c.*2365A>T

Genes: STX16 (syntaxin 16; plus strand), STX16-NPEPL1 (STX16-NPEPL1 readthrough (NMD candidate); plus strand). Cytogenetic location: 20q13.32.
Variant type: single nucleotide variant.
Coding change: c.*2365A>T on transcript NM_001001433.3 (MANE Select); 2365 bases downstream of the stop codon, A replaced by T.
Molecular consequence: 3 prime UTR variant. On other transcripts: non-coding transcript variant (3).
Genome position (GRCh38, 1-based): chr20:58,678,656, A>T. VCF-style: chr20-58678656-A-T. GRCh37 (hg19) VCF-style: chr20-57253712-A-T.
Other names: c.*2365A>T (NM_001134772.3, NM_001134773.3, NM_001204868.2 and 1 more transcripts).
Identifiers: ClinVar variation 339101 (VCV000339101.6), dbSNP rs189786439, ClinGen allele CA10652724.
Genomic context (GRCh38, chr20:58,678,656, plus strand): 5'-CACCACTGCACTCCAGCCTGGGTGACAGAGCGAGGCTCCGTCTCAAAAAAAAAAAAAAAA[A>T]ATTGTTTTAGCGCTGGGTTTCCCAAGGTGGGAGAGACAGACCCAGCCTGGAGCTGGCCCC-3'

ClinVar aggregate classification (germline): Benign. Review status: criteria provided, multiple submitters, no conflicts (2 of 4 stars). 2 submissions from 2 submitters: Benign (2). Last evaluated 2018-01-12.

Conditions:
Pseudohypoparathyroidism type 1B (PHP1B). Also called: PHP IB; Pseudohypoparathyroidism Ib (PHP-Ib); Pseudohypoparathyroidism Type IB. Identifiers: Orphanet 94089, MedGen C1864100, MONDO:0011301, OMIM 603233.

Allele frequency attached by ClinVar (database versions not stated): 1000 Genomes Project 0.03654; TOPMed 0.05139; gnomAD 0.05178 and 0.05203.

Submissions (2):

Illumina Laboratory Services, Illumina
Classification: Benign for Pseudohypoparathyroidism type 1B. Last evaluated: 2018-01-12. Review status: criteria provided, single submitter. Criteria: ICSL Variant Classification Criteria 13 December 2019. Collection method: clinical testing. Allele origin: germline.
Comment: This variant was observed in the ICSL laboratory as part of a predisposition screen in an ostensibly healthy population. It had not been previously curated by ICSL or reported in the Human Gene Mutation Database (HGMD: prior to June 1st, 2018), and was therefore a candidate for classification through an automated scoring system. Utilizing variant allele frequency, disease prevalence and penetrance estimates, and inheritance mode, an automated score was calculated to assess if this variant is too frequent to cause the disease. Based on the score and internal cut-off values, a variant classified as benign is not then subjected to further curation. The score for this variant resulted in a classification of benign for this disease.

Breakthrough Genomics
Classification: Benign. Review status: criteria provided, single submitter. Criteria: ACMG Guidelines, 2015. Collection method: not provided. Allele origin: germline. Inheritance: Autosomal dominant inheritance. Affected: yes.